The following is an entry in ClinVar:

NM_015629.4(PRPF31):c.984C>T (p.Phe328=)

Gene: PRPF31 (pre-mRNA processing factor 31; plus strand). Cytogenetic location: 19q13.42.
Variant type: single nucleotide variant.
Coding change: c.984C>T on transcript NM_015629.4 (MANE Select); coding-DNA position 984, C replaced by T.
Protein change: p.Phe328=; no amino-acid change (phenylalanine 328 retained).
Molecular consequence: synonymous variant.
Genome position (GRCh38, 1-based): chr19:54,128,111, C>T. VCF-style: chr19-54128111-C-T. GRCh37 (hg19) VCF-style: chr19-54631486-C-T.
Other names: c.984C>T (NM_015629.3).
Identifiers: ClinVar variation 1901722 (VCV001901722.6), dbSNP rs202206056, ClinGen allele CA407753003.

ClinVar aggregate classification (germline): Likely benign. Review status: criteria provided, multiple submitters, no conflicts (2 of 4 stars). 2 submissions from 2 submitters: Likely benign (2). Last evaluated 2025-08-24.

Conditions:
PRPF31-related disorder. Also called: PRPF31-related condition.

Allele frequency attached by ClinVar (database versions not stated): ExAC 0.00005; TOPMed 0.00005; ESP Exome Variant Server 0.00016.
gnomAD v4.1: 49 of 1,550,348 alleles (0.0032%); highest among the groups gnomAD compares: African/African-American, 0.0095%; no homozygotes.

Submissions (2):

PreventionGenetics, part of Exact Sciences
Classification: Likely benign for PRPF31-related condition. Last evaluated: 2025-08-24. Review status: criteria provided, single submitter. Criteria: ACMG Guidelines, 2015. Collection method: clinical testing. Allele origin: germline.
Comment: This variant is classified as likely benign based on ACMG/AMP sequence variant interpretation guidelines (Richards et al. 2015 PMID: 25741868, with internal and published modifications).

Labcorp Genetics (formerly Invitae), Labcorp
Classification: Likely benign. Last evaluated: 2024-01-22. Review status: criteria provided, single submitter. Criteria: Invitae Variant Classification Sherloc (09022015). Collection method: clinical testing. Allele origin: germline.